The following is an entry in ClinVar:

ClinVar aggregate classification (germline): Uncertain significance (1 of 4 stars; one submission).

Conditions:
Mendelian susceptibility to mycobacterial diseases due to partial STAT1 deficiency. Also called: IMMUNODEFICIENCY 31A, MYCOBACTERIOSIS, AUTOSOMAL DOMINANT; STAT1 DEFICIENCY, AUTOSOMAL DOMINANT; Immunodeficiency 31a. Identifiers: Orphanet 319595, MedGen C4013950, MONDO:0013956, OMIM 614892.

Allele frequency attached by ClinVar (database versions not stated): gnomAD exomes 0.00001.
gnomAD v4.1: 8 of 1,614,050 alleles (0.0005%); highest among the groups gnomAD compares: Non-Finnish European, 0.00068%; no homozygotes.

Submission:

Baylor Genetics
Classification: Uncertain significance for Mendelian susceptibility to mycobacterial diseases due to partial STAT1 deficiency. Last evaluated: 2020-11-19. Review status: criteria provided, single submitter. Criteria: ACMG Guidelines, 2015. Collection method: clinical testing. Allele origin: unknown. Affected: yes.
Comment: This variant was determined to be of uncertain significance according to ACMG Guidelines, 2015 [PMID:25741868].

NM_007315.4(STAT1):c.167G>A (p.Arg56His)

Gene: STAT1 (signal transducer and activator of transcription 1; minus strand). Cytogenetic location: 2q32.2.
Variant type: single nucleotide variant.
Coding change: c.167G>A on transcript NM_007315.4 (MANE Select); coding-DNA position 167, G replaced by A.
Protein change: p.Arg56His; replaces arginine 56 with histidine.
Molecular consequence: missense variant.
Genome position (GRCh38, 1-based): chr2:191,009,069, C>T on the plus strand (G>A on the coding strand, the complement: STAT1 is on the minus strand). VCF-style: chr2-191009069-C-T. GRCh37 (hg19) VCF-style: chr2-191873795-C-T.
Other names: c.167G>A, p.Arg56His (NM_001384880.1, NM_001384882.1, NM_001384883.1 and 7 more transcripts); c.173G>A, p.Arg58His (NM_001384881.1, NM_001384884.1); c.203G>A, p.Arg68His (NM_001384891.1); short protein forms R68H, R58H, R56H.
Identifiers: ClinVar variation 1029155 (VCV001029155.1), dbSNP rs1473494120, ClinGen allele CA349928074.